The following is an entry in ClinVar:

NM_004656.4(BAP1):c.659+9C>T

Gene: BAP1 (BRCA1 associated deubiquitinase 1; minus strand). Cytogenetic location: 3p21.1.
Variant type: single nucleotide variant.
Coding change: c.659+9C>T on transcript NM_004656.4 (MANE Select); 9 bases into the intron after coding-DNA position 659, C replaced by T.
Molecular consequence: intron variant.
Genome position (GRCh38, 1-based): chr3:52,406,820, G>A on the plus strand (C>T on the coding strand, the complement: BAP1 is on the minus strand). VCF-style: chr3-52406820-G-A. GRCh37 (hg19) VCF-style: chr3-52440836-G-A.
Other names: c.659+9C>T (NM_001410772.1).
Identifiers: ClinVar variation 3379094 (VCV003379094.1).
Genomic context (GRCh38, chr3:52,406,820, plus strand): 5'-ATACTCTCTGTCCCTCCCAAAGTAGGTACAGCTCCAGAGAGTAGAACAGGGCAGGCACAG[G>A]GCCCTTACCCTGCAGTGGCGAGGCCGATACGCTCCATGATGACCCGCCGGGCCTTGTCTG-3'

ClinVar aggregate classification (germline): Likely benign (1 of 4 stars; one submission).

Conditions:
BAP1-related tumor predisposition syndrome (TPDS1). Also called: BAP1 tumor predisposition syndrome; Tumor susceptibility linked to germline BAP1 mutations; COMMON Syndrome; TUMOR PREDISPOSITION SYNDROME 1. Identifiers: Orphanet 289539, MedGen C3280492, MONDO:0013692, OMIM 614327.

Submission:

Myriad Genetics, Inc.
Classification: Likely benign for BAP1-related tumor predisposition syndrome. Last evaluated: 2024-07-12. Review status: criteria provided, single submitter. Criteria: Myriad Autosomal Dominant, Autosomal Recessive and X-Linked Classification Criteria (2023). Collection method: clinical testing. Allele origin: unknown.
Comment: This variant is considered likely benign. This variant is intronic and is not expected to impact mRNA splicing.